The following is an entry in ClinVar:

ClinVar aggregate classification (germline): Uncertain significance (1 of 4 stars; one submission).

Conditions:
MHC class II deficiency. Also called: BLS, TYPE II; Bare lymphocyte syndrome 2. Identifiers: Orphanet 572, MedGen C5447452, MONDO:0008855.

Allele frequency attached by ClinVar (database versions not stated): gnomAD exomes below 0.00001.
gnomAD v4.1: 3 of 1,614,136 alleles (0.00019%); highest among the groups gnomAD compares: African/African-American, 0.0013%; no homozygotes.

Submission:

Labcorp Genetics (formerly Invitae), Labcorp
Classification: Uncertain significance for MHC class II deficiency. Last evaluated: 2022-08-23. Review status: criteria provided, single submitter. Criteria: Invitae Variant Classification Sherloc (09022015). Collection method: clinical testing. Allele origin: germline.
Comment: This sequence change replaces lysine, which is basic and polar, with arginine, which is basic and polar, at codon 906 of the CIITA protein (p.Lys906Arg). This variant is present in population databases (no rsID available, gnomAD 0.004%). This variant has not been reported in the literature in individuals affected with CIITA-related conditions. ClinVar contains an entry for this variant (Variation ID: 1462476). Algorithms developed to predict the effect of missense changes on protein structure and function output the following: SIFT: "Tolerated"; PolyPhen-2: "Benign"; Align-GVGD: "Class C0". The arginine amino acid residue is found in multiple mammalian species, which suggests that this missense change does not adversely affect protein function. In summary, the available evidence is currently insufficient to determine the role of this variant in disease. Therefore, it has been classified as a Variant of Uncertain Significance.

NM_000246.4(CIITA):c.2717A>G (p.Lys906Arg)

Gene: CIITA (class II major histocompatibility complex transactivator; plus strand). Cytogenetic location: 16p13.13.
Variant type: single nucleotide variant.
Coding change: c.2717A>G on transcript NM_000246.4 (MANE Select); coding-DNA position 2717, A replaced by G.
Protein change: p.Lys906Arg; replaces lysine 906 with arginine.
Molecular consequence: missense variant.
Genome position (GRCh38, 1-based): chr16:10,909,088, A>G. VCF-style: chr16-10909088-A-G. GRCh37 (hg19) VCF-style: chr16-11002945-A-G.
Other names: c.2720A>G, p.Lys907Arg (NM_001286402.1, NM_001379332.1); c.965A>G, p.Lys322Arg (NM_001286403.2); c.2573A>G, p.Lys858Arg (NM_001379330.1); c.2570A>G, p.Lys857Arg (NM_001379331.1); c.2717A>G, p.Lys906Arg (NM_001379333.1); c.2648A>G, p.Lys883Arg (NM_001379334.1); short protein forms K906R, K322R, K858R, K883R, K857R, K907R.
Identifiers: ClinVar variation 1462476 (VCV001462476.8), dbSNP rs1477380659, ClinGen allele CA394734851.